The following is an entry in ClinVar:

NM_006662.3(SRCAP):c.7768G>T (p.Val2590Leu)

Gene: SRCAP (Snf2 related CREBBP activator protein; plus strand). Cytogenetic location: 16p11.2.
Variant type: single nucleotide variant.
Coding change: c.7768G>T on transcript NM_006662.3 (MANE Select); coding-DNA position 7768, G replaced by T.
Protein change: p.Val2590Leu; replaces valine 2590 with leucine.
Molecular consequence: missense variant.
Genome position (GRCh38, 1-based): chr16:30,737,808, G>T. VCF-style: chr16-30737808-G-T. GRCh37 (hg19) VCF-style: chr16-30749129-G-T.
Other names: c.7768G>T (NM_006662.2); short protein forms V2590L.
Identifiers: ClinVar variation 1467009 (VCV001467009.10), dbSNP rs1264192138, ClinGen allele CA395634468.
Genomic context (GRCh38, chr16:30,737,808, plus strand): 5'-GCCAGTTCAGAAACCTCCTCACTTTCTCTTGTGCCCCCTAAAGATCTGTTGCCAGTTGCT[G>T]TGGAGATCCTGCCTGTGTCAGAGAAGAACCTTTCTCTCACCCCTTCTGCACCCAGCCTGA-3'
Protein context (NP_006653.2, residues 2580-2600): VPPKDLLPVA[Val2590Leu]EILPVSEKNL

ClinVar aggregate classification (germline): Uncertain significance. Review status: criteria provided, multiple submitters, no conflicts (2 of 4 stars). 3 submissions from 3 submitters: Uncertain significance (3). Last evaluated 2024-09-25.

Conditions:
Floating-Harbor syndrome (FLHS). Also called: Short stature with delayed bone age, expressive language delay, a triangular face with a prominent nose and deep-set eyes; Pelletier-Leisti syndrome; SRCAP-Related Floating-Harbor Syndrome. Identifiers: Orphanet 2044, MedGen C0729582, MONDO:0007621, OMIM 136140.
Developmental delay, hypotonia, musculoskeletal defects, and behavioral abnormalities. Identifiers: MedGen C5562012, MONDO:0859202, OMIM 619595.

Allele frequency attached by ClinVar (database versions not stated): gnomAD exomes 0.00001; TOPMed 0.00001; gnomAD 0.00002.
gnomAD v4.1: 17 of 1,614,048 alleles (0.0011%); highest among the groups gnomAD compares: Non-Finnish European, 0.0014%; no homozygotes.

Submissions (3):

GeneDx
Classification: Uncertain significance. Last evaluated: 2024-09-25. Review status: criteria provided, single submitter. Criteria: GeneDx Variant Classification Process June 2021. Collection method: clinical testing. Allele origin: germline. Affected: yes.
Comment: Not observed at significant frequency in large population cohorts (gnomAD); In silico analysis indicates that this missense variant does not alter protein structure/function; Has not been previously published as pathogenic or benign to our knowledge

Fulgent Genetics
Classification: Uncertain significance for Floating-Harbor syndrome; Developmental delay, hypotonia, musculoskeletal defects, and behavioral abnormalities. Last evaluated: 2024-04-15. Review status: criteria provided, single submitter. Criteria: ACMG Guidelines, 2015. Collection method: clinical testing. Allele origin: germline.

Labcorp Genetics (formerly Invitae), Labcorp
Classification: Uncertain significance. Last evaluated: 2021-04-13. Review status: criteria provided, single submitter. Criteria: Invitae Variant Classification Sherloc (09022015). Collection method: clinical testing. Allele origin: germline.
Comment: In summary, the available evidence is currently insufficient to determine the role of this variant in disease. Therefore, it has been classified as a Variant of Uncertain Significance. Algorithms developed to predict the effect of missense changes on protein structure and function are either unavailable or do not agree on the potential impact of this missense change (SIFT: "Deleterious"; PolyPhen-2: "Not Available"; Align-GVGD: "Class C0"). This variant has not been reported in the literature in individuals with SRCAP-related conditions. This variant is not present in population databases (ExAC no frequency). This sequence change replaces valine with leucine at codon 2590 of the SRCAP protein (p.Val2590Leu). The valine residue is highly conserved and there is a small physicochemical difference between valine and leucine.